The following is an entry in ClinVar:

ClinVar aggregate classification (germline): Uncertain significance. Review status: criteria provided, multiple submitters, no conflicts (2 of 4 stars). 3 submissions from 3 submitters: Uncertain significance (3). Last evaluated 2024-01-26.

Conditions:
PRPH2-related disorder. Also called: PRPH2-related disorders; PRPH2-related condition. Identifiers: MedGen CN239395.

Allele frequency attached by ClinVar (database versions not stated): gnomAD exomes below 0.00001.
gnomAD v4.1: 1 of 1,614,158 alleles (0.000062%); highest among the groups gnomAD compares: Non-Finnish European, 0.000085%; no homozygotes.

Submissions (3):

GeneDx
Classification: Uncertain significance. Last evaluated: 2024-01-26. Review status: criteria provided, single submitter. Criteria: GeneDx Variant Classification Process June 2021. Collection method: clinical testing. Allele origin: germline. Affected: yes.
Comment: Not observed at significant frequency in large population cohorts (gnomAD); In silico analysis supports that this missense variant has a deleterious effect on protein structure/function; Has not been previously published as pathogenic or benign to our knowledge

Labcorp Genetics (formerly Invitae), Labcorp
Classification: Uncertain significance for PRPH2-related disorder. Last evaluated: 2022-03-11. Review status: criteria provided, single submitter. Criteria: Invitae Variant Classification Sherloc (09022015). Collection method: clinical testing. Allele origin: germline.
Comment: This sequence change replaces histidine, which is basic and polar, with arginine, which is basic and polar, at codon 233 of the PRPH2 protein (p.His233Arg). In summary, the available evidence is currently insufficient to determine the role of this variant in disease. Therefore, it has been classified as a Variant of Uncertain Significance. Advanced modeling of protein sequence and biophysical properties (such as structural, functional, and spatial information, amino acid conservation, physicochemical variation, residue mobility, and thermodynamic stability) performed at Invitae indicates that this missense variant is expected to disrupt PRPH2 protein function. ClinVar contains an entry for this variant (Variation ID: 866449). This variant has not been reported in the literature in individuals affected with PRPH2-related conditions. This variant is not present in population databases (gnomAD no frequency).

Blueprint Genetics
Classification: Uncertain significance. Last evaluated: 2017-08-03. Review status: criteria provided, single submitter. Criteria: ACMG Guidelines, 2015. Collection method: clinical testing. Allele origin: germline.

NM_000322.5(PRPH2):c.698A>G (p.His233Arg)

Gene: PRPH2 (peripherin 2; minus strand). Cytogenetic location: 6p21.1.
Variant type: single nucleotide variant.
Coding change: c.698A>G on transcript NM_000322.5 (MANE Select); coding-DNA position 698, A replaced by G.
Protein change: p.His233Arg; replaces histidine 233 with arginine.
Molecular consequence: missense variant.
Genome position (GRCh38, 1-based): chr6:42,704,495, T>C on the plus strand (A>G on the coding strand, the complement: PRPH2 is on the minus strand). VCF-style: chr6-42704495-T-C. GRCh37 (hg19) VCF-style: chr6-42672233-T-C.
Other names: short protein forms H233R.
Identifiers: ClinVar variation 866449 (VCV000866449.8), dbSNP rs1800113326, ClinGen allele CA364135260.
Genomic context (GRCh38, chr6:42,704,495, plus strand): 5'-GCAGCCCTGCAGCCACGCACCCACAGGTTGAGCTCCTCCGTCTGGTGGTCGTAACTGTAG[T>C]GTGCTGAGTTGTTGGTGATCTGATACTGGATGCAGGGCCGTGGCGAGCTAGGATTGCAGC-3'
Protein context (NP_000313.2, residues 223-243): IQYQITNNSA[His233Arg]YSYDHQTEEL